The following is an entry in ClinVar:

ClinVar aggregate classification (germline): Uncertain significance (1 of 4 stars; one submission).

Conditions:
Nephronophthisis. Also called: Juvenile Nephronophthisis. Identifiers: Orphanet 655, MedGen C0687120, MONDO:0019005, HP:0000090.
Jeune thoracic dystrophy. Also called: Jeune syndrome; Infantile thoracic dystrophy; Thoracic pelvic phalangeal dystrophy; Jeune's syndrome; Chondroectodermal dysplasia-like syndrome; Short-rib thoracic dysplasia. Identifiers: Orphanet 474, MedGen C0265275, MONDO:0018770.

Submission:

Labcorp Genetics (formerly Invitae), Labcorp
Classification: Uncertain significance for Jeune thoracic dystrophy; Nephronophthisis. Last evaluated: 2022-02-03. Review status: criteria provided, single submitter. Criteria: Invitae Variant Classification Sherloc (09022015). Collection method: clinical testing. Allele origin: germline.
Comment: This sequence change replaces histidine, which is basic and polar, with aspartic acid, which is acidic and polar, at codon 974 of the TTC21B protein (p.His974Asp). This variant is not present in population databases (gnomAD no frequency). This variant has not been reported in the literature in individuals affected with TTC21B-related conditions. ClinVar contains an entry for this variant (Variation ID: 1061021). Algorithms developed to predict the effect of missense changes on protein structure and function are either unavailable or do not agree on the potential impact of this missense change (SIFT: "Tolerated"; PolyPhen-2: "Possibly Damaging"; Align-GVGD: "Class C0"). In summary, the available evidence is currently insufficient to determine the role of this variant in disease. Therefore, it has been classified as a Variant of Uncertain Significance.

NM_024753.5(TTC21B):c.2920C>G (p.His974Asp)

Gene: TTC21B (tetratricopeptide repeat domain 21B; minus strand). Cytogenetic location: 2q24.3.
Variant type: single nucleotide variant.
Coding change: c.2920C>G on transcript NM_024753.5 (MANE Select); coding-DNA position 2920, C replaced by G.
Protein change: p.His974Asp; replaces histidine 974 with aspartic acid.
Molecular consequence: missense variant.
Genome position (GRCh38, 1-based): chr2:165,898,716, G>C on the plus strand (C>G on the coding strand, the complement: TTC21B is on the minus strand). VCF-style: chr2-165898716-G-C. GRCh37 (hg19) VCF-style: chr2-166755226-G-C.
Other names: short protein forms H974D.
Identifiers: ClinVar variation 1061021 (VCV001061021.6), dbSNP rs1254330391, ClinGen allele CA349049727.